The following is an entry in ClinVar:

ClinVar aggregate classification (germline): Uncertain significance. Review status: criteria provided, multiple submitters, no conflicts (2 of 4 stars). 2 submissions from 2 submitters: Uncertain significance (2). Last evaluated 2025-08-19.

Submissions (2):

Athena Diagnostics
Classification: Uncertain significance. Last evaluated: 2025-08-19. Review status: criteria provided, single submitter. Criteria: Athena Diagnostics Criteria. Collection method: clinical testing. Allele origin: unknown.
Comment: Available data are insufficient to determine the clinical significance of the variant at this time. The frequency of this variant in the general population is higher than would generally be expected for pathogenic variants in this gene. This variant is predicted to result in a premature termination codon and the loss of a functional protein. However, research supports that pathogenic variants causing CADASIL do so by a toxic gain of function mechanism and the clinical relevance of loss of function (LOF) variants in this gene is under debate in the literature (PMID: 24000151, 25260852, 25870235).

GeneDx
Classification: Uncertain significance. Last evaluated: 2024-03-13. Review status: criteria provided, single submitter. Criteria: GeneDx Variant Classification Process June 2021. Collection method: clinical testing. Allele origin: germline. Affected: yes.
Comment: Frameshift variant predicted to result in protein truncation or nonsense mediated decay in a gene for which loss of function is a known mechanism of disease; Has not been previously published as pathogenic or benign to our knowledge

NM_000435.3(NOTCH3):c.4476_4487delinsTGGGC (p.Glu1492fs)

Gene: NOTCH3 (notch receptor 3; minus strand). Cytogenetic location: 19p13.12.
Variant type: Indel.
Coding change: c.4476_4487delinsTGGGC on transcript NM_000435.3 (MANE Select); coding-DNA positions 4476 to 4487, GTGCGGCTGGGA replaced by TGGGC.
Protein change: p.Glu1492fs; shifts the reading frame from glutamic acid 1492.
Molecular consequence: frameshift variant.
Genome position (GRCh38, 1-based): chr19:15,174,317-15,174,328, TCCCAGCCGCAC replaced by GCCCA on the plus strand (GTGCGGCTGGGA replaced by TGGGC on the coding strand, the reverse complement: NOTCH3 is on the minus strand). VCF-style: chr19-15174317-TCCCAGCCGCAC-GCCCA. GRCh37 (hg19) VCF-style: chr19-15285128-TCCCAGCCGCAC-GCCCA.
Other names: short protein forms E1492fs.
Identifiers: ClinVar variation 3370948 (VCV003370948.2).
Genomic context (GRCh38, chr19:15,174,317, plus strand): 5'-GTGAGCACCAGCACGCCGCGGGCCAGCAGGGCCGGCACCTCGCTGGCACAATCCAGCCCA[TCCCAGCCGCAC>GCCCA]TCCTCCGTGTTGCAGCCCTGGTCGCAGCGGCCGTCGGCAAAGTGGTCGGCGCAGTACTTC-3'